The following is an entry in ClinVar:

NM_153704.6(TMEM67):c.2163del (p.Ser722fs)

Gene: TMEM67 (transmembrane protein 67; plus strand). Cytogenetic location: 8q22.1.
Variant type: Deletion.
Coding change: c.2163del on transcript NM_153704.6 (MANE Select); coding-DNA position 2163, one base deleted (T; older notation c.2163delT).
Protein change: p.Ser722fs; shifts the reading frame from serine 722.
Molecular consequence: frameshift variant. On other transcripts: non-coding transcript variant (1).
Genome position (GRCh38, 1-based): chr8:93,799,680, T deleted. VCF-style (leftmost placement, unchanged base first): chr8-93799679-CT-C. GRCh37 (hg19) VCF-style: chr8-94811907-CT-C.
Other names: c.1920del, p.Ser641fs (NM_001142301.1); short protein forms S641fs, S722fs.
Identifiers: ClinVar variation 2948088 (VCV002948088.3), dbSNP rs1563474005, ClinGen allele CA583413363.

ClinVar aggregate classification (germline): Pathogenic (1 of 4 stars; one submission).

Conditions:
Joubert syndrome. Also called: CEREBELLOPARENCHYMAL DISORDER IV; JOUBERT-BOLTSHAUSER SYNDROME; Familial aplasia of the vermis. Identifiers: Orphanet 475, MedGen C5979921, MONDO:0018772.
Meckel-Gruber syndrome. Also called: DYSENCEPHALIA SPLANCHNOCYSTICA; GRUBER SYNDROME; Dysencephalia splachnocystica. Identifiers: Orphanet 564, MedGen C0265215, MONDO:0018921.

Allele frequency attached by ClinVar (database versions not stated): gnomAD exomes below 0.00001.

Submission:

Labcorp Genetics (formerly Invitae), Labcorp
Classification: Pathogenic for Joubert syndrome; Meckel-Gruber syndrome. Last evaluated: 2023-05-22. Review status: criteria provided, single submitter. Criteria: Invitae Variant Classification Sherloc (09022015). Collection method: clinical testing. Allele origin: germline.
Comment: For these reasons, this variant has been classified as Pathogenic. This sequence change creates a premature translational stop signal (p.Ser722Alafs*3) in the TMEM67 gene. It is expected to result in an absent or disrupted protein product. Loss-of-function variants in TMEM67 are known to be pathogenic (PMID: 20232449, 23559409). This variant is present in population databases (no rsID available, gnomAD 0.0009%). This variant has not been reported in the literature in individuals affected with TMEM67-related conditions.

Literature cited by the submitters: PubMed 20232449; PubMed 23559409.